The following is an entry in ClinVar:

NM_001792.5(CDH2):c.1900G>C (p.Ala634Pro)

Gene: CDH2 (cadherin 2; minus strand). Cytogenetic location: 18q12.1.
Variant type: single nucleotide variant.
Coding change: c.1900G>C on transcript NM_001792.5 (MANE Select); coding-DNA position 1900, G replaced by C.
Protein change: p.Ala634Pro; replaces alanine 634 with proline.
Molecular consequence: missense variant.
Genome position (GRCh38, 1-based): chr18:27,985,603, C>G on the plus strand (G>C on the coding strand, the complement: CDH2 is on the minus strand). VCF-style: chr18-27985603-C-G. GRCh37 (hg19) VCF-style: chr18-25565567-C-G.
Other names: c.1807G>C, p.Ala603Pro (NM_001308176.2); short protein forms A603P, A634P.
Identifiers: ClinVar variation 3361277 (VCV003361277.1).

ClinVar aggregate classification (germline): Uncertain significance (1 of 4 stars; one submission).

gnomAD v4.1: 1 of 1,614,034 alleles (0.000062%); highest among the groups gnomAD compares: Non-Finnish European, 0.000085%; no homozygotes.

Submission:

GeneDx
Classification: Uncertain significance. Last evaluated: 2023-07-28. Review status: criteria provided, single submitter. Criteria: GeneDx Variant Classification Process June 2021. Collection method: clinical testing. Allele origin: germline. Affected: yes.
Comment: Not observed at significant frequency in large population cohorts (gnomAD); In silico analysis supports that this missense variant has a deleterious effect on protein structure/function; Has not been previously published as pathogenic or benign to our knowledge